The following is an entry in ClinVar:

NM_001371727.1(GABRB2):c.519C>G (p.Asn173Lys)

Gene: GABRB2 (gamma-aminobutyric acid type A receptor subunit beta2; minus strand). Cytogenetic location: 5q34.
Variant type: single nucleotide variant.
Coding change: c.519C>G on transcript NM_001371727.1 (MANE Select); coding-DNA position 519, C replaced by G.
Protein change: p.Asn173Lys; replaces asparagine 173 with lysine.
Molecular consequence: missense variant.
Genome position (GRCh38, 1-based): chr5:161,410,997, G>C on the plus strand (C>G on the coding strand, the complement: GABRB2 is on the minus strand). VCF-style: chr5-161410997-G-C. GRCh37 (hg19) VCF-style: chr5-160838003-G-C.
Other names: c.519C>G, p.Asn173Lys (NM_000813.3, NM_021911.3); short protein forms N173K.
Identifiers: ClinVar variation 4881056 (VCV004881056.2).
Genomic context (GRCh38, chr5:161,410,997, plus strand): 5'-GCAGAGTCCAGTCTAGCTGGATTCTCAGAACGACTTACAGCTCTCAATTTCCAAGGTGCA[G>C]TTTTGTTCATCCAGTGGGTACCTCCTTAGGTCCATCATGCAGGCAGCTGTGGTTGTGATT-3'
Protein context (NP_001358656.1, residues 163-183): DLRRYPLDEQ[Asn173Lys]CTLEIESYGY

ClinVar aggregate classification (germline): Uncertain significance (1 of 4 stars; one submission).

Conditions:
Developmental and epileptic encephalopathy 92. Also called: EPILEPTIC ENCEPHALOPATHY, INFANTILE OR EARLY CHILDHOOD, 2. Identifiers: MedGen C4693362, MONDO:0020631, OMIM 617829.

Submission:

Dasa
Classification: Uncertain significance for Developmental and epileptic encephalopathy 92. Last evaluated: 2026-03-23. Review status: criteria provided, single submitter. Criteria: DASA Assertion Criteria. Collection method: clinical testing. Allele origin: germline.
Comment: NM_001371727.1(GABRB2):c.519C>G (p.Asn173Lys) is a missense variant that results in the substitution of asparagine with lysine. This variant is rare in population databases. The currently available literature and clinical evidence are not sufficient to establish a definitive association between this variant and the reported condition. Therefore, this variant is classified as a variant of uncertain significance.